The following is an entry in ClinVar:

ClinVar aggregate classification (germline): Pathogenic/Likely pathogenic. Review status: criteria provided, multiple submitters, no conflicts (2 of 4 stars). 2 submissions from 2 submitters: Pathogenic (1); Likely pathogenic (1). Last evaluated 2023-03-19.

Submissions (2):

Labcorp Genetics (formerly Invitae), Labcorp
Classification: Pathogenic. Last evaluated: 2023-03-19. Review status: criteria provided, single submitter. Criteria: Invitae Variant Classification Sherloc (09022015). Collection method: clinical testing. Allele origin: germline.
Comment: This sequence change creates a premature translational stop signal (p.Phe565Leufs*2) in the HPS6 gene. While this is not anticipated to result in nonsense mediated decay, it is expected to disrupt the last 211 amino acid(s) of the HPS6 protein. The frequency data for this variant in the population databases is considered unreliable, as metrics indicate poor data quality at this position in the gnomAD database. This variant has not been reported in the literature in individuals affected with HPS6-related conditions. ClinVar contains an entry for this variant (Variation ID: 1180726). This variant disrupts a region of the HPS6 protein in which other variant(s) (p.Arg607*) have been determined to be pathogenic (Invitae). This suggests that this is a clinically significant region of the protein, and that variants that disrupt it are likely to be disease-causing. For these reasons, this variant has been classified as Pathogenic.

Kariminejad - Najmabadi Pathology & Genetics Center
Classification: Likely pathogenic. Last evaluated: 2021-07-10. Review status: criteria provided, single submitter. Criteria: ACMG Guidelines, 2015. Collection method: clinical testing. Allele origin: germline. Affected: yes.

NM_024747.6(HPS6):c.1692dup (p.Phe565fs)

Gene: HPS6 (HPS6 biogenesis of lysosomal organelles complex 2 subunit 3; plus strand). Cytogenetic location: 10q24.32.
Variant type: Duplication.
Coding change: c.1692dup on transcript NM_024747.6 (MANE Select); coding-DNA position 1692, one base duplicated (C; older notation c.1692dupC).
Protein change: p.Phe565fs; shifts the reading frame from phenylalanine 565.
Molecular consequence: frameshift variant.
Genome position (GRCh38, 1-based): chr10:102,067,166, C duplicated; the last of 6 consecutive C bases (chr10:102,067,161-102,067,166); duplicating any one gives the same sequence. VCF-style (leftmost placement, unchanged base first): chr10-102067160-G-GC. GRCh37 (hg19) VCF-style: chr10-103826917-G-GC.
Other names: c.1692dupC (NM_024747.6); short protein forms F565fs.
Identifiers: ClinVar variation 1180726 (VCV001180726.6), dbSNP rs1384342700, ClinGen allele CA595248912.